The following is an entry in ClinVar:

NM_003194.5(TBP):c.776T>G (p.Val259Gly)

Gene: TBP (TATA-box binding protein; plus strand). Cytogenetic location: 6q27.
Variant type: single nucleotide variant.
Coding change: c.776T>G on transcript NM_003194.5 (MANE Select); coding-DNA position 776, T replaced by G.
Protein change: p.Val259Gly; replaces valine 259 with glycine.
Molecular consequence: missense variant.
Genome position (GRCh38, 1-based): chr6:170,569,710, T>G. VCF-style: chr6-170569710-T-G. GRCh37 (hg19) VCF-style: chr6-170878798-T-G.
Other names: c.716T>G, p.Val239Gly (NM_001172085.2); short protein forms V239G, V259G.
Identifiers: ClinVar variation 3342036 (VCV003342036.16).

ClinVar aggregate classification (germline): Uncertain significance (1 of 4 stars; one submission).

Submission:

CeGaT Center for Human Genetics Tuebingen
Classification: Uncertain significance. Last evaluated: 2024-08-01. Review status: criteria provided, single submitter. Criteria: CeGaT Center For Human Genetics Tuebingen Variant Classification Criteria Version 2. Collection method: clinical testing. Allele origin: germline. Affected: yes. Observed: 1 variant allele.
Comment: TBP: PM2, PP2, PP3